The following is an entry in ClinVar:

NM_001079.4(ZAP70):c.1010T>G (p.Leu337Arg)

Gene: ZAP70 (zeta chain of T cell receptor associated protein kinase 70; plus strand). Cytogenetic location: 2q11.2.
Variant type: single nucleotide variant.
Coding change: c.1010T>G on transcript NM_001079.4 (MANE Select); coding-DNA position 1010, T replaced by G.
Protein change: p.Leu337Arg; replaces leucine 337 with arginine.
Molecular consequence: missense variant.
Genome position (GRCh38, 1-based): chr2:97,734,640, T>G. VCF-style: chr2-97734640-T-G. GRCh37 (hg19) VCF-style: chr2-98351103-T-G.
Other names: c.1010T>G, p.Leu337Arg (NM_001378594.1); c.89T>G, p.Leu30Arg (NM_207519.2); short protein forms L30R, L337R.
Identifiers: ClinVar variation 3902181 (VCV003902181.1).

ClinVar aggregate classification (germline): Uncertain significance (1 of 4 stars; one submission).

gnomAD v4.1: 4 of 1,614,044 alleles (0.00025%); highest among the groups gnomAD compares: African/African-American, 0.0013%; no homozygotes.

Submission:

Women's Health and Genetics/Laboratory Corporation of America, LabCorp
Classification: Uncertain significance. Last evaluated: 2025-05-15. Review status: criteria provided, single submitter. Criteria: LabCorp Variant Classification Summary - May 2015. Collection method: clinical testing. Allele origin: germline.
Comment: Variant summary: ZAP70 c.1010T>G (p.Leu337Arg) results in a non-conservative amino acid change in the encoded protein sequence. Algorithms developed to predict the effect of missense changes on protein structure and function all suggest that this variant is likely to be disruptive. The variant was absent in 251406 control chromosomes. c.1010T>G has been observed in at least one homozygous individual affected with Severe Combined Immunodeficiency (e.g. Turul_2009, Erman_2024). These data indicate that the variant may be associated with disease. To our knowledge, no experimental evidence demonstrating an impact on protein function has been reported. The following publications have been ascertained in the context of this evaluation (PMID: 38954121, 18509675). No submitters have cited clinical-significance assessments for this variant to ClinVar. Based on the evidence outlined above, the variant was classified as VUS-possibly pathogenic.

Literature cited by the submitters: PubMed 18509675; PubMed 38954121.